The following is an entry in ClinVar:

ClinVar aggregate classification (germline): Uncertain significance. Review status: criteria provided, multiple submitters, no conflicts (2 of 4 stars). 2 submissions from 2 submitters: Uncertain significance (2). Last evaluated 2024-12-10.

Conditions:
Congenital heart defects, dysmorphic facial features, and intellectual developmental disorder (CHDFIDD). Identifiers: Orphanet 646278, MedGen C4479246, MONDO:0044302, OMIM 617360.

Submissions (2):

Labcorp Genetics (formerly Invitae), Labcorp
Classification: Uncertain significance. Last evaluated: 2024-12-10. Review status: criteria provided, single submitter. Criteria: Invitae Variant Classification Sherloc (09022015). Collection method: clinical testing. Allele origin: germline.
Comment: This sequence change replaces threonine, which is neutral and polar, with arginine, which is basic and polar, at codon 509 of the CDK13 protein (p.Thr509Arg). This variant is not present in population databases (gnomAD no frequency). This variant has not been reported in the literature in individuals affected with CDK13-related conditions. ClinVar contains an entry for this variant (Variation ID: 1030697). Invitae Evidence Modeling of protein sequence and biophysical properties (such as structural, functional, and spatial information, amino acid conservation, physicochemical variation, residue mobility, and thermodynamic stability) indicates that this missense variant is not expected to disrupt CDK13 protein function with a negative predictive value of 95%. In summary, the available evidence is currently insufficient to determine the role of this variant in disease. Therefore, it has been classified as a Variant of Uncertain Significance.

Baylor Genetics
Classification: Uncertain significance for Congenital heart defects, dysmorphic facial features, and intellectual developmental disorder. Last evaluated: 2019-01-17. Review status: criteria provided, single submitter. Criteria: ACMG Guidelines, 2015. Collection method: clinical testing. Allele origin: paternal. Affected: yes.
Comment: This variant was determined to be of uncertain significance according to ACMG Guidelines, 2015 [PMID:25741868].

NM_003718.5(CDK13):c.1526C>G (p.Thr509Arg)

Gene: CDK13 (cyclin dependent kinase 13; plus strand). Cytogenetic location: 7p14.1.
Variant type: single nucleotide variant.
Coding change: c.1526C>G on transcript NM_003718.5 (MANE Select); coding-DNA position 1526, C replaced by G.
Protein change: p.Thr509Arg; replaces threonine 509 with arginine.
Molecular consequence: missense variant.
Genome position (GRCh38, 1-based): chr7:39,987,913, C>G. VCF-style: chr7-39987913-C-G. GRCh37 (hg19) VCF-style: chr7-40027512-C-G.
Other names: c.1526C>G, p.Thr509Arg (NM_031267.4); short protein forms T509R.
Identifiers: ClinVar variation 1030697 (VCV001030697.3), dbSNP rs1403159563, ClinGen allele CA367282705.